The following is an entry in ClinVar:

ClinVar aggregate classification (germline): Pathogenic (1 of 4 stars; one submission).

Conditions:
Fanconi anemia complementation group J. Also called: BRIP1-Related Fanconi Anemia. Identifiers: Orphanet 84, MedGen C1836860, MONDO:0012187, OMIM 609054.
Familial cancer of breast. Also called: Hereditary breast cancer; BREAST CANCER, FAMILIAL; hereditary breast carcinoma. Identifiers: Orphanet 227535, MedGen C0346153, MONDO:0016419, OMIM 114480. Disease mechanism: loss of function.

Submission:

Labcorp Genetics (formerly Invitae), Labcorp
Classification: Pathogenic for Familial cancer of breast; Fanconi anemia complementation group J. Last evaluated: 2016-05-05. Review status: criteria provided, single submitter. Criteria: Invitae Variant Classification Sherloc (09022015). Collection method: clinical testing. Allele origin: germline.
Comment: This variant is a gross deletion of the genomic region encompassing exons 5-6 of the BRIP1 gene. This creates a premature translational stop signal and is expected to result in an absent or disrupted protein product. While this particular variant has not been reported in the literature, truncating variants in BRIP1 are known to be pathogenic (PMID: 16116423, 17033622, 21964575). For these reasons, this variant has been classified as Pathogenic.

NC_000017.11:g.(?_61847101)_(61849256_?)del

Gene: BRIP1 (BRCA1 interacting DNA helicase 1; minus strand). Cytogenetic location: 17q23.2.
Variant type: Deletion.
Identifiers: ClinVar variation 417413 (VCV000417413.2).